The following is an entry in ClinVar:

ClinVar aggregate classification (germline): Benign/Likely benign. Review status: criteria provided, multiple submitters, no conflicts (2 of 4 stars). 4 submissions from 4 submitters: Benign (1); Likely benign (3). Last evaluated 2026-09-01.

Conditions:
Familial thoracic aortic aneurysm and aortic dissection (TAAD). Also called: Thoracic aortic aneurysms and dissections. Identifiers: Orphanet 91387, MedGen C4707243, MONDO:0019625.
Marfan syndrome (MFS). Also called: Marfan syndrome, classic; FBN1-Related Marfan Syndrome; Marfan syndrome type 1; Marfan's syndrome; MARFAN SYNDROME, TYPE I. Identifiers: Orphanet 284963, Orphanet 558, MedGen C0024796, MONDO:0007947, OMIM 154700.

Submissions (4):

CeGaT Center for Human Genetics Tuebingen
Classification: Likely benign. Last evaluated: 2026-09-01. Review status: criteria provided, single submitter. Criteria: CeGaT Center For Human Genetics Tuebingen Variant Classification Criteria Version 2. Collection method: clinical testing. Allele origin: germline. Affected: yes. Observed: 17 variant alleles.
Comment: FBN1: BS1

Women's Health and Genetics/Laboratory Corporation of America, LabCorp
Classification: Benign. Last evaluated: 2024-12-19. Review status: criteria provided, single submitter. Criteria: LabCorp Variant Classification Summary - May 2015. Collection method: clinical testing. Allele origin: germline.
Comment: Variant summary: FBN1 c.6998-40delA is located at a position not widely known to affect splicing. The variant allele was found at a frequency of 0.0014 in 238188 control chromosomes. The observed variant frequency is approximately 13 fold of the estimated maximal expected allele frequency for a pathogenic variant in FBN1 causing Marfan Syndrome phenotype (0.00011). To our knowledge, no occurrence of c.6998-40delA in individuals affected with Marfan Syndrome and no experimental evidence demonstrating its impact on protein function have been reported. ClinVar contains an entry for this variant (Variation ID: 36110). Based on the evidence outlined above, the variant was classified as benign.

Labcorp Genetics (formerly Invitae), Labcorp
Classification: Likely benign for Marfan syndrome; Familial thoracic aortic aneurysm and aortic dissection. Last evaluated: 2022-11-19. Review status: criteria provided, single submitter. Criteria: Invitae Variant Classification Sherloc (09022015). Collection method: clinical testing. Allele origin: germline.

PreventionGenetics, part of Exact Sciences
Classification: Likely benign. Review status: criteria provided, single submitter. Criteria: ACMG Guidelines, 2015. Collection method: clinical testing. Allele origin: germline.

NM_000138.5(FBN1):c.6998-40del

Gene: FBN1 (fibrillin 1; minus strand). Cytogenetic location: 15q21.1.
Variant type: Deletion.
Coding change: c.6998-40del on transcript NM_000138.5 (MANE Select); 40 bases into the intron before coding-DNA position 6998, one base deleted (A; older notation c.6998-40delA).
Molecular consequence: intron variant.
Genome position (GRCh38, 1-based): chr15:48,427,813, T deleted on the plus strand (A on the coding strand, the reverse complement: FBN1 is on the minus strand); the first of 4 consecutive T bases (chr15:48,427,813-48,427,816); deleting any one gives the same sequence. VCF-style (leftmost placement, unchanged base first): chr15-48427812-AT-A. GRCh37 (hg19) VCF-style: chr15-48720009-AT-A.
Other names: c.6998-40delA (NM_000138.4, NM_000138.5).
Identifiers: ClinVar variation 36110 (VCV000036110.37), dbSNP rs193922229, ClinGen allele CA016914.
Genomic context (GRCh38, chr15:48,427,812, plus strand): 5'-AAGCAGTACCCTTCCCGATTGTCTGGAAGGGACATTATATGGCAAAGGGGATGTCAGGAA[AT>A]TTTAAGAGCAAACAAAATATTAAAAATTTGGTCAGATATAAAAACCAAAAAAGGATGTAA-3'